The following is an entry in ClinVar:

NM_032776.3(JMJD1C):c.2429G>C (p.Gly810Ala)

Gene: JMJD1C (jumonji domain containing 1C; minus strand). Cytogenetic location: 10q21.3.
Variant type: single nucleotide variant.
Coding change: c.2429G>C on transcript NM_032776.3 (MANE Select); coding-DNA position 2429, G replaced by C.
Protein change: p.Gly810Ala; replaces glycine 810 with alanine.
Molecular consequence: missense variant. On other transcripts: non-coding transcript variant (1).
Genome position (GRCh38, 1-based): chr10:63,213,738, C>G on the plus strand (G>C on the coding strand, the complement: JMJD1C is on the minus strand). VCF-style: chr10-63213738-C-G. GRCh37 (hg19) VCF-style: chr10-64973498-C-G.
Other names: c.1883G>C, p.Gly628Ala (NM_001282948.2, NM_001318154.2); c.1565G>C, p.Gly522Ala (NM_001318153.2); c.2315G>C, p.Gly772Ala (NM_001322252.2); c.1772G>C, p.Gly591Ala (NM_001322254.2, NM_001322258.2); short protein forms G810A, G522A, G591A, G628A, G772A.
Identifiers: ClinVar variation 3678571 (VCV003678571.2).

ClinVar aggregate classification (germline): Uncertain significance (1 of 4 stars; one submission).

Conditions:
Early Myoclonic Encephalopathy. Identifiers: MedGen C0270855.

Submission:

Labcorp Genetics (formerly Invitae), Labcorp
Classification: Uncertain significance for Early Myoclonic Encephalopathy. Last evaluated: 2024-02-24. Review status: criteria provided, single submitter. Criteria: Invitae Variant Classification Sherloc (09022015). Collection method: clinical testing. Allele origin: germline.
Comment: This sequence change replaces glycine, which is neutral and non-polar, with alanine, which is neutral and non-polar, at codon 810 of the JMJD1C protein (p.Gly810Ala). This variant is not present in population databases (gnomAD no frequency). This variant has not been reported in the literature in individuals affected with JMJD1C-related conditions. Advanced modeling of protein sequence and biophysical properties (such as structural, functional, and spatial information, amino acid conservation, physicochemical variation, residue mobility, and thermodynamic stability) performed at Invitae indicates that this missense variant is not expected to disrupt JMJD1C protein function with a negative predictive value of 80%. In summary, the available evidence is currently insufficient to determine the role of this variant in disease. Therefore, it has been classified as a Variant of Uncertain Significance.